The following is an entry in ClinVar:

NM_001035.3(RYR2):c.12899G>A (p.Ser4300Asn)

Genes: RYR2 (ryanodine receptor 2; plus strand), LOC126806068 (BRD4-independent group 4 enhancer GRCh37_chr1:237947411-237948610; plus strand). Cytogenetic location: 1q43.
Variant type: single nucleotide variant.
Coding change: c.12899G>A on transcript NM_001035.3 (MANE Select); coding-DNA position 12899, G replaced by A.
Protein change: p.Ser4300Asn; replaces serine 4300 with asparagine.
Molecular consequence: missense variant.
Genome position (GRCh38, 1-based): chr1:237,784,611, G>A. VCF-style: chr1-237784611-G-A. GRCh37 (hg19) VCF-style: chr1-237947911-G-A.
Other names: short protein forms S4300N.
Identifiers: ClinVar variation 920232 (VCV000920232.7), dbSNP rs998814994, ClinGen allele CA39828074.
Genomic context (GRCh38, chr1:237,784,611, plus strand): 5'-TCACGGCCTTCTTTTCATCCTACTGGAGTATTTTCATGACCCTCTTGCACTTCGTGGCCA[G>A]CGTTTTCAGAGGCTTTTTCCGCATCATTTGCAGCCTGCTGCTTGGGGGAAGCCTCGTCGA-3'
Protein context (NP_001026.2, residues 4290-4310): IFMTLLHFVA[Ser4300Asn]VFRGFFRIIC

ClinVar aggregate classification (germline): Uncertain significance. Review status: criteria provided, multiple submitters, no conflicts (2 of 4 stars). 2 submissions from 2 submitters: Uncertain significance (2). Last evaluated 2024-12-17.

Conditions:
Cardiomyopathy (CMYO). Also called: Cardiomyopathies. Identifiers: Orphanet 167848, MedGen C0878544, MONDO:0004994, HP:0001638. Inheritance: Various modes of inheritance.
Catecholaminergic polymorphic ventricular tachycardia 1. Also called: VENTRICULAR TACHYCARDIA, CATECHOLAMINERGIC POLYMORPHIC, 1, WITH OR WITHOUT ATRIAL DYSFUNCTION AND/OR DILATED CARDIOMYOPATHY; RYR2-Related Catecholaminergic Polymorphic Ventricular Tachycardia; VENTRICULAR TACHYCARDIA, STRESS-INDUCED POLYMORPHIC 1. Identifiers: Orphanet 3286, MedGen C1631597, MONDO:0011484, OMIM 604772.

Allele frequency attached by ClinVar (database versions not stated): gnomAD exomes below 0.00001.
gnomAD v4.1: 1 of 1,613,938 alleles (0.000062%); highest among the groups gnomAD compares: East Asian, 0.0022%; no homozygotes.

Submissions (2):

Labcorp Genetics (formerly Invitae), Labcorp
Classification: Uncertain significance for Catecholaminergic polymorphic ventricular tachycardia 1. Last evaluated: 2024-12-17. Review status: criteria provided, single submitter. Criteria: Invitae Variant Classification Sherloc (09022015). Collection method: clinical testing. Allele origin: germline.
Comment: This sequence change replaces serine, which is neutral and polar, with asparagine, which is neutral and polar, at codon 4300 of the RYR2 protein (p.Ser4300Asn). This variant is present in population databases (no rsID available, gnomAD 0.006%). This variant has not been reported in the literature in individuals affected with RYR2-related conditions. ClinVar contains an entry for this variant (Variation ID: 920232). Invitae Evidence Modeling of protein sequence and biophysical properties (such as structural, functional, and spatial information, amino acid conservation, physicochemical variation, residue mobility, and thermodynamic stability) indicates that this missense variant is not expected to disrupt RYR2 protein function with a negative predictive value of 95%. In summary, the available evidence is currently insufficient to determine the role of this variant in disease. Therefore, it has been classified as a Variant of Uncertain Significance.

Color Diagnostics, LLC DBA Color Health
Classification: Uncertain significance for Cardiomyopathy. Last evaluated: 2023-12-04. Review status: criteria provided, single submitter. Criteria: ACMG Guidelines, 2015. Collection method: clinical testing. Allele origin: germline.
Comment: Variant of Uncertain Significance due to insufficient evidence: This missense variant is located in the transmembrane domain of the pore-forming region of the RYR2 protein. Computational prediction tools and conservation analyses are inconclusive regarding the impact of this variant on the protein function. Computational splicing tools suggest that this variant may not impact RNA splicing. To our knowledge, functional assays have not been performed for this variant nor has this variant been reported in individuals affected with cardiovascular disorders in the literature. This variant has been identified in 1/245704 chromosomes in the general population by the Genome Aggregation Database (gnomAD). Available evidence is insufficient to determine the pathogenicity of this variant conclusively.